The following is an entry in ClinVar:

ClinVar aggregate classification (germline): Uncertain significance (1 of 4 stars; one submission).

Conditions:
Autosomal recessive polycystic kidney disease (ARPKD). Also called: AR polycystic kidney disease. Identifiers: Orphanet 731, Orphanet 8378, MedGen C0085548, MeSH D017044, MONDO:0009889.

Submission:

Labcorp Genetics (formerly Invitae), Labcorp
Classification: Uncertain significance for Autosomal recessive polycystic kidney disease. Last evaluated: 2021-09-01. Review status: criteria provided, single submitter. Criteria: Invitae Variant Classification Sherloc (09022015). Collection method: clinical testing. Allele origin: germline.
Comment: This sequence change replaces serine with asparagine at codon 647 of the PKHD1 protein (p.Ser647Asn). The serine residue is weakly conserved and there is a small physicochemical difference between serine and asparagine. This variant is not present in population databases (ExAC no frequency). This variant has not been reported in the literature in individuals affected with PKHD1-related conditions. Algorithms developed to predict the effect of missense changes on protein structure and function output the following: SIFT: "Tolerated"; PolyPhen-2: "Benign"; Align-GVGD: "Class C0". The asparagine amino acid residue is found in multiple mammalian species, which suggests that this missense change does not adversely affect protein function. In summary, the available evidence is currently insufficient to determine the role of this variant in disease. Therefore, it has been classified as a Variant of Uncertain Significance.

NM_138694.4(PKHD1):c.1940G>A (p.Ser647Asn)

Gene: PKHD1 (PKHD1 ciliary IPT domain containing fibrocystin/polyductin; minus strand). Cytogenetic location: 6p12.2.
Variant type: single nucleotide variant.
Coding change: c.1940G>A on transcript NM_138694.4 (MANE Select); coding-DNA position 1940, G replaced by A.
Protein change: p.Ser647Asn; replaces serine 647 with asparagine.
Molecular consequence: missense variant.
Genome position (GRCh38, 1-based): chr6:52,054,062, C>T on the plus strand (G>A on the coding strand, the complement: PKHD1 is on the minus strand). VCF-style: chr6-52054062-C-T. GRCh37 (hg19) VCF-style: chr6-51918860-C-T.
Other names: c.1940G>A, p.Ser647Asn (NM_170724.3); short protein forms S647N.
Identifiers: ClinVar variation 458591 (VCV000458591.6), dbSNP rs1554214687, ClinGen allele CA364422653.
Genomic context (GRCh38, chr6:52,054,062, plus strand): 5'-CTGAATTCCCACCACGCCTCCCCACCGATTAGCTACCTCTCGGGGCTGGTCCTCGTGAGA[C>T]TCCAGTCACAGGTGGTATTCTTTACCATGTTTTGAAAGCCGATTGTGAAGGACACAATCA-3'
Protein context (NP_619639.3, residues 637-657): NMVKNTTCDW[Ser647Asn]LTRTSPESWQ